The following is an entry in ClinVar:

NM_152594.3(SPRED1):c.1110C>G (p.Leu370=)

Gene: SPRED1 (sprouty related EVH1 domain containing 1; plus strand). Cytogenetic location: 15q14.
Variant type: single nucleotide variant.
Coding change: c.1110C>G on transcript NM_152594.3 (MANE Select); coding-DNA position 1110, C replaced by G.
Protein change: p.Leu370=; no amino-acid change (leucine 370 retained).
Molecular consequence: synonymous variant.
Genome position (GRCh38, 1-based): chr15:38,351,439, C>G. VCF-style: chr15-38351439-C-G. GRCh37 (hg19) VCF-style: chr15-38643640-C-G.
Identifiers: ClinVar variation 227961 (VCV000227961.14), dbSNP rs876657584, ClinGen allele CA10576976.

ClinVar aggregate classification (germline): Likely benign. Review status: criteria provided, multiple submitters, no conflicts (2 of 4 stars). 3 submissions from 3 submitters: Likely benign (3). Last evaluated 2025-01-28.

Conditions:
Cardiovascular phenotype. Identifiers: MedGen CN230736.
Legius syndrome. Identifiers: Orphanet 137605, MedGen C1969623, MONDO:0012669, OMIM 611431. Disease mechanism: loss of function.

Allele frequency attached by ClinVar (database versions not stated): TOPMed 0.00001.
gnomAD v4.1: 3 of 1,614,012 alleles (0.00019%); highest among the groups gnomAD compares: African/African-American, 0.0027%; no homozygotes.

Submissions (3):

Ambry Genetics
Classification: Likely benign for Cardiovascular phenotype. Last evaluated: 2025-01-28. Review status: criteria provided, single submitter. Criteria: Ambry Variant Classification Scheme 2023. Collection method: clinical testing. Allele origin: germline.

Labcorp Genetics (formerly Invitae), Labcorp
Classification: Likely benign for Legius syndrome. Last evaluated: 2022-12-17. Review status: criteria provided, single submitter. Criteria: Invitae Variant Classification Sherloc (09022015). Collection method: clinical testing. Allele origin: germline.

Laboratory for Molecular Medicine, Mass General Brigham Personalized Medicine
Classification: Likely benign. Last evaluated: 2015-10-08. Review status: criteria provided, single submitter. Criteria: LMM Criteria. Collection method: clinical testing. Allele origin: germline. Observed: 1 variant allele.
Comment: p.Leu370Leu in exon 7 of SPRED1: This variant is not expected to have clinical s ignificance because it does not alter an amino acid residue and is not located w ithin the splice consensus sequence.